The following is an entry in ClinVar:

ClinVar aggregate classification (germline): Uncertain significance. Review status: criteria provided, multiple submitters, no conflicts (2 of 4 stars). 8 submissions from 8 submitters: Uncertain significance (8). Last evaluated 2026-01-20.

Conditions:
Hereditary cancer-predisposing syndrome. Also called: Neoplastic Syndromes, Hereditary; Hereditary Cancer Syndrome; Tumor predisposition; Hereditary neoplastic syndrome. Identifiers: Orphanet 140162, MedGen C0027672, MeSH D009386, MONDO:0015356.
Familial cancer of breast. Also called: Hereditary breast cancer; BREAST CANCER, FAMILIAL; hereditary breast carcinoma. Identifiers: Orphanet 227535, MedGen C0346153, MONDO:0016419, OMIM 114480. Disease mechanism: loss of function.
Ataxia-telangiectasia syndrome (AT). Also called: LOUIS-BAR SYNDROME; Cerebello-oculocutaneous telangiectasia; Immunodeficiency with ataxia telangiectasia; Ataxia-telangiectasia, complementation group D; AT, COMPLEMENTATION GROUP C; Ataxia-telangiectasia, complementation group E. Identifiers: Orphanet 100, MedGen C0004135, MONDO:0008840, OMIM 208900.

Allele frequency attached by ClinVar (database versions not stated): gnomAD exomes 0.00001; TOPMed below 0.00001; ExAC 0.00002.
gnomAD v4.1: 10 of 1,613,374 alleles (0.00062%); highest among the groups gnomAD compares: South Asian, 0.0044%; no homozygotes.

Submissions (8):

Labcorp Genetics (formerly Invitae), Labcorp
Classification: Uncertain significance for Ataxia-telangiectasia syndrome. Last evaluated: 2026-01-20. Review status: criteria provided, single submitter. Criteria: Invitae Variant Classification Sherloc (09022015). Collection method: clinical testing. Allele origin: germline.
Comment: This sequence change replaces serine, which is neutral and polar, with arginine, which is basic and polar, at codon 2218 of the ATM protein (p.Ser2218Arg). This variant is present in population databases (rs749261367, gnomAD 0.003%). This missense change has been observed in individual(s) with colorectal cancer and breast cancer (PMID: 17623063, 26689913, 28135145). ClinVar contains an entry for this variant (Variation ID: 478930). Invitae Evidence Modeling of protein sequence and biophysical properties (such as structural, functional, and spatial information, amino acid conservation, physicochemical variation, residue mobility, and thermodynamic stability) indicates that this missense variant is not expected to disrupt ATM protein function with a negative predictive value of 95%. Studies have shown that this missense change is associated with inconclusive levels of altered splicing (internal data). In summary, the available evidence is currently insufficient to determine the role of this variant in disease. Therefore, it has been classified as a Variant of Uncertain Significance.

Ambry Genetics
Classification: Uncertain significance for Hereditary cancer-predisposing syndrome. Last evaluated: 2024-11-12. Review status: criteria provided, single submitter. Criteria: Ambry Variant Classification Scheme 2023. Collection method: clinical testing. Allele origin: germline.
Comment: The c.6652A>C variant (also known as p.S2218R), located in coding exon 45 of the ATM gene, results from an A to C substitution at nucleotide position 6652. The serine at codon 2218 is replaced by arginine, an amino acid with dissimilar properties. In silico splice site analysis predicts that this alteration will result in the creation or strengthening of a novel splice acceptor site. RNA studies have demonstrated that this alteration results in an incomplete splice defect; the clinical impact of this abnormal splicing is unknown at this time (Ambry internal data). Based on the available evidence, the clinical significance of this variant remains unclear.

Color Diagnostics, LLC DBA Color Health
Classification: Uncertain significance for Hereditary cancer-predisposing syndrome. Last evaluated: 2024-06-03. Review status: criteria provided, single submitter. Criteria: ACMG Guidelines, 2015. Collection method: clinical testing. Allele origin: germline.
Comment: This missense variant replaces serine with arginine at codon 2218 of the ATM protein. Computational prediction suggests that this variant may not impact protein structure and function. However, this prediction has not been confirmed in published RNA studies. This variant has been reported in an individual affected with colorectal cancer (PMID: 28135145). This variant has been identified in 3/251178 chromosomes in the general population by the Genome Aggregation Database (gnomAD). The available evidence is insufficient to determine the role of this variant in disease conclusively. Therefore, this variant is classified as a Variant of Uncertain Significance.

Fulgent Genetics
Classification: Uncertain significance for Familial cancer of breast; Ataxia-telangiectasia syndrome. Last evaluated: 2024-02-11. Review status: criteria provided, single submitter. Criteria: ACMG Guidelines, 2015. Collection method: clinical testing. Allele origin: germline.

Baylor Genetics
Classification: Uncertain significance for Familial cancer of breast. Last evaluated: 2023-08-31. Review status: criteria provided, single submitter. Criteria: ACMG Guidelines, 2015. Collection method: clinical testing. Allele origin: unknown.

Department of Pathology and Laboratory Medicine, Sinai Health System
Classification: Uncertain significance for Familial cancer of breast. Last evaluated: 2023-06-27. Review status: criteria provided, single submitter. Criteria: ACMG Guidelines, 2015. Collection method: clinical testing. Allele origin: germline. Affected: yes.

Women's Health and Genetics/Laboratory Corporation of America, LabCorp
Classification: Uncertain significance. Last evaluated: 2021-04-16. Review status: criteria provided, single submitter. Criteria: LabCorp Variant Classification Summary - May 2015. Collection method: clinical testing. Allele origin: germline.
Comment: Variant summary: ATM c.6652A>C (p.Ser2218Arg) results in a non-conservative amino acid change located in the FAT domain (IPR003151) of the encoded protein sequence. Four of five in-silico tools predict a benign effect of the variant on protein function. The variant allele was found at a frequency of 1.2e-05 in 251178 control chromosomes (gnomAD). The available data on variant occurrences in the general population are insufficient to allow any conclusion about variant significance. c.6652A>C has been reported in the literature in individuals affected with colorectal cancer (CRC) or breast cancer (Yurgelun_2017, Lu_2015, Edvardsen_2007). These reports however, do not provide unequivocal conclusions about association of the variant with Ataxia-Telangiectasia. To our knowledge, no experimental evidence demonstrating an impact on protein function has been reported. Three ClinVar submitters (evaluation after 2014) cite the variant as uncertain significance (n=2) or likely pathogenic (n=1). Based on the evidence outlined above, the variant was classified as uncertain significance.

GeneDx
Classification: Uncertain significance. Last evaluated: 2020-05-19. Review status: criteria provided, single submitter. Criteria: GeneDx Variant Classification Process June 2021. Collection method: clinical testing. Allele origin: germline. Affected: yes.
Comment: Not observed at a significant frequency in large population cohorts (Lek 2016); In silico analysis supports that this missense variant does not alter protein structure/function; Observed in individuals with a personal or family history including colorectal cancer (Yurgelun 2017); This variant is associated with the following publications: (PMID: 28135145)

Literature cited by the submitters: PubMed 17623063 (cited by 3 submitters); PubMed 26689913 (cited by 3 submitters); PubMed 28135145 (cited by 5 submitters); PubMed 33471991 (cited by Department of Pathology and Laboratory Medicine, Sinai Health System).

NM_000051.4(ATM):c.6652A>C (p.Ser2218Arg)

Genes: ATM (ATM serine/threonine kinase; plus strand), C11orf65 (chromosome 11 open reading frame 65; minus strand). Cytogenetic location: 11q22.3.
Variant type: single nucleotide variant.
Coding change: c.6652A>C on transcript NM_000051.4 (MANE Select); coding-DNA position 6652, A replaced by C.
Protein change: p.Ser2218Arg; replaces serine 2218 with arginine.
Molecular consequence: missense variant. On other transcripts: intron variant (2).
Genome position (GRCh38, 1-based): chr11:108,325,389, A>C. VCF-style: chr11-108325389-A-C. GRCh37 (hg19) VCF-style: chr11-108196116-A-C.
Other names: c.6652A>C, p.Ser2218Arg (NM_001351834.2); c.641-16318T>G (NM_001330368.2); c.*38+9831T>G (NM_001351110.2); short protein forms S2218R.
Identifiers: ClinVar variation 478930 (VCV000478930.26), dbSNP rs749261367, ClinGen allele CA6265993.